The following is an entry in ClinVar:

ClinVar aggregate classification (germline): Uncertain significance (1 of 4 stars; one submission).

Conditions:
Familial thoracic aortic aneurysm and aortic dissection (TAAD). Also called: Thoracic aortic aneurysms and dissections. Identifiers: Orphanet 91387, MedGen C4707243, MONDO:0019625.

gnomAD v4.1: 3 of 1,609,134 alleles (0.00019%); no homozygotes.

Submission:

Color Diagnostics, LLC DBA Color Health
Classification: Uncertain significance for Familial thoracic aortic aneurysm and aortic dissection. Last evaluated: 2023-12-05. Review status: criteria provided, single submitter. Criteria: ACMG Guidelines, 2015. Collection method: clinical testing. Allele origin: germline.
Comment: This missense variant replaces arginine with serine at codon 1767 of the MYH11 protein. Computational prediction tools and conservation analyses suggest that this variant may have deleterious impact on the protein function. Computational splicing tools suggest that this variant may not impact RNA splicing. To our knowledge, functional assays have not been performed for this variant nor has this variant been reported in individuals affected with cardiovascular disorders in the literature. This variant has not been identified in the general population by the Genome Aggregation Database (gnomAD). Available evidence is insufficient to determine the role of this variant in disease conclusively. Therefore, this variant is classified as a Variant of Uncertain Significance.

NM_002474.3(MYH11):c.5278C>A (p.Arg1760Ser)

Genes: NDE1 (nudE neurodevelopment protein 1; plus strand), MYH11 (myosin heavy chain 11; minus strand). Cytogenetic location: 16p13.11.
Variant type: single nucleotide variant.
Coding change: c.5278C>A on transcript NM_002474.3 (MANE Select); coding-DNA position 5278, C replaced by A.
Protein change: p.Arg1760Ser; replaces arginine 1760 with serine.
Molecular consequence: missense variant. On other transcripts: intron variant (2).
Genome position (GRCh38, 1-based): chr16:15,718,332, G>T on the plus strand (C>A on the coding strand, the complement: MYH11 is on the minus strand). VCF-style: chr16-15718332-G-T. GRCh37 (hg19) VCF-style: chr16-15812189-G-T.
Other names: c.5299C>A, p.Arg1767Ser (NM_001040113.2, NM_001040114.2); c.5278C>A, p.Arg1760Ser (NM_022844.3); c.948-5859G>T (NM_001143979.2, NM_017668.3); short protein forms R1760S, R1767S.
Identifiers: ClinVar variation 921497 (VCV000921497.5), dbSNP rs764794087, ClinGen allele CA394849854.